The following is an entry in ClinVar:

NM_007294.4(BRCA1):c.5264C>A (p.Ser1755Tyr)

Gene: BRCA1 (BRCA1 DNA repair associated; minus strand). Cytogenetic location: 17q21.31.
Variant type: single nucleotide variant.
Coding change: c.5264C>A on transcript NM_007294.4 (MANE Select); coding-DNA position 5264, C replaced by A.
Protein change: p.Ser1755Tyr; replaces serine 1755 with tyrosine.
Molecular consequence: missense variant. On other transcripts: non-coding transcript variant (1).
Genome position (GRCh38, 1-based): chr17:43,057,065, G>T on the plus strand (C>A on the coding strand, the complement: BRCA1 is on the minus strand). VCF-style: chr17-43057065-G-T. GRCh37 (hg19) VCF-style: chr17-41209082-G-T.
Other names: c.5051C>A, p.Ser1684Tyr (NM_001407571.1, NM_001407900.1, NM_001407902.1 and 12 more transcripts); c.5330C>A, p.Ser1777Tyr (NM_001407581.1, NM_001407582.1); c.5327C>A, p.Ser1776Tyr (NM_001407583.1, NM_001407585.1, NM_001407587.1 and 1 more transcripts); c.5261C>A, p.Ser1754Tyr (NM_001407610.1, NM_001407611.1, NM_001407612.1 and 17 more transcripts); c.5258C>A, p.Ser1753Tyr (NM_001407629.1, NM_001407630.1, NM_001407631.1 and 14 more transcripts); c.5204C>A, p.Ser1735Tyr (NM_001407649.1); c.5186C>A, p.Ser1729Tyr (NM_001407652.1, NM_001407653.1, NM_001407654.1 and 1 more transcripts); c.5183C>A, p.Ser1728Tyr (NM_001407656.1, NM_001407657.1, NM_001407658.1); and 72 more; short protein forms S1776Y, S651Y, S1708Y, S1755Y, S1586Y, S1628Y, S1665Y, S1666Y.
Identifiers: ClinVar variation 867907 (VCV000867907.3), dbSNP rs1555576858, ClinGen allele CA10591027.

Conditions:
Breast-ovarian cancer, familial, susceptibility to, 1 (BROVCA1). Also called: BRCA1 Hereditary Breast and Ovarian Cancer; OVARIAN CANCER, SUSCEPTIBILITY TO. Identifiers: Orphanet 145, MedGen C2676676, MONDO:0011450, OMIM 604370. Disease mechanism: loss of function.

Submission:

Brotman Baty Institute, University of Washington
No classification provided (evidence only). Condition: Breast-ovarian cancer, familial 1. Review status: no classification provided. Collection method: in vitro. Allele origin: not applicable. Functional consequence: functionally_normal.
ClinVar note: "not provided" was previously submitted as the classification for the variant. However, the classification appeared to be based only on an observation of functional data so it was converted to no classification on 2025-07-30.